The following is an entry in ClinVar:

ClinVar aggregate classification (germline): Pathogenic (1 of 4 stars; one submission).

Submission:

GeneDx
Classification: Pathogenic. Last evaluated: 2017-03-02. Review status: criteria provided, single submitter. Criteria: GeneDx Variant Classification (06012015). Collection method: clinical testing. Allele origin: germline. Affected: yes.
Comment: The c.514dupC variant in the SLC2A1 gene has not been reported previously as a pathogenic variantnor as a benign variant, to our knowledge. The c.514dupC variant causes a frameshift starting withcodon Glutamine 172, changes this amino acid to a Proline residue, and creates a premature Stopcodon at position 65 of the new reading frame, denoted p.Q172PfsX65. This variant is predicted tocause loss of normal protein function either through protein truncation or nonsense-mediated mRNAdecay. The c.514dupC variant is not observed in large population cohorts (Lek et al., 2016; 1000Genomes Consortium et al., 2015; Exome Variant Server). We interpret 514dupC as a pathogenicvariant

NM_006516.4(SLC2A1):c.514dup (p.Gln172fs)

Gene: SLC2A1 (solute carrier family 2 member 1; minus strand). Cytogenetic location: 1p34.2.
Variant type: Duplication.
Coding change: c.514dup on transcript NM_006516.4 (MANE Select); coding-DNA position 514, one base duplicated (C; older notation c.514dupC).
Protein change: p.Gln172fs; shifts the reading frame from glutamine 172.
Molecular consequence: frameshift variant.
Genome position (GRCh38, 1-based): chr1:42,930,628, G duplicated on the plus strand (C on the coding strand, the reverse complement: SLC2A1 is on the minus strand); the first of 3 consecutive G bases (chr1:42,930,628-42,930,630); duplicating any one gives the same sequence. VCF-style (leftmost placement, unchanged base first): chr1-42930627-T-TG. GRCh37 (hg19) VCF-style: chr1-43396298-T-TG.
Other names: short protein forms Q172fs.
Identifiers: ClinVar variation 424135 (VCV000424135.2), dbSNP rs1553156146, ClinGen allele CA16617147.